The following is an entry in ClinVar:

NM_006915.3(RP2):c.587A>G (p.Gln196Arg)

Gene: RP2 (RP2 activator of ARL3 GTPase; plus strand). Cytogenetic location: Xp11.3.
Variant type: single nucleotide variant.
Coding change: c.587A>G on transcript NM_006915.3 (MANE Select); coding-DNA position 587, A replaced by G.
Protein change: p.Gln196Arg; replaces glutamine 196 with arginine.
Molecular consequence: missense variant.
Genome position (GRCh38, 1-based): chrX:46,853,960, A>G. VCF-style: chrX-46853960-A-G. GRCh37 (hg19) VCF-style: chrX-46713395-A-G.
Other names: short protein forms Q196R.
Identifiers: ClinVar variation 2090866 (VCV002090866.4), dbSNP rs2519914634, ClinGen allele CA413040276.

ClinVar aggregate classification (germline): Uncertain significance (1 of 4 stars; one submission).

Submission:

Labcorp Genetics (formerly Invitae), Labcorp
Classification: Uncertain significance. Last evaluated: 2024-10-24. Review status: criteria provided, single submitter. Criteria: Invitae Variant Classification Sherloc (09022015). Collection method: clinical testing. Allele origin: germline.
Comment: This sequence change replaces glutamine, which is neutral and polar, with arginine, which is basic and polar, at codon 196 of the RP2 protein (p.Gln196Arg). This variant is not present in population databases (gnomAD no frequency). This variant has not been reported in the literature in individuals affected with RP2-related conditions. ClinVar contains an entry for this variant (Variation ID: 2090866). Invitae Evidence Modeling of protein sequence and biophysical properties (such as structural, functional, and spatial information, amino acid conservation, physicochemical variation, residue mobility, and thermodynamic stability) indicates that this missense variant is not expected to disrupt RP2 protein function with a negative predictive value of 95%. In summary, the available evidence is currently insufficient to determine the role of this variant in disease. Therefore, it has been classified as a Variant of Uncertain Significance.